The following is an entry in ClinVar:

ClinVar aggregate classification (germline): Pathogenic (1 of 4 stars; one submission).

Conditions:
Joubert syndrome 21 (JBTS21). Identifiers: MedGen C3810212, MONDO:0014288, OMIM 615636.

Submission:

Labcorp Genetics (formerly Invitae), Labcorp
Classification: Pathogenic for Joubert syndrome 21. Last evaluated: 2025-01-08. Review status: criteria provided, single submitter. Criteria: Invitae Variant Classification Sherloc (09022015). Collection method: clinical testing. Allele origin: germline.
Comment: This sequence change creates a premature translational stop signal (p.Asn361Argfs*4) in the CSPP1 gene. It is expected to result in an absent or disrupted protein product. Loss-of-function variants in CSPP1 are known to be pathogenic (PMID: 24360807, 24360808). This variant is not present in population databases (gnomAD no frequency). This variant has not been reported in the literature in individuals affected with CSPP1-related conditions. Algorithms developed to predict the effect of sequence changes on RNA splicing suggest that this variant may disrupt the consensus splice site. For these reasons, this variant has been classified as Pathogenic.

Literature cited by the submitters: PubMed 24360807; PubMed 24360808.

NM_001382391.1(CSPP1):c.1055_1059del (p.Asn352fs)

Gene: CSPP1 (centrosome and spindle pole associated protein 1; plus strand). Cytogenetic location: 8q13.2.
Variant type: Deletion.
Coding change: c.1055_1059del on transcript NM_001382391.1 (MANE Select); coding-DNA positions 1055 to 1059, 5 bases deleted (ATCAA; older notation c.1055_1059delATCAA).
Protein change: p.Asn352fs; shifts the reading frame from asparagine 352.
Molecular consequence: frameshift variant.
Genome position (GRCh38, 1-based): chr8:67,105,937-67,105,941, ATCAA deleted; deleting any 5 consecutive bases within chr8:67,105,936-67,105,941 gives the same sequence; the c. name uses the placement nearest the transcript's 3' end. VCF-style (leftmost placement, unchanged base first): chr8-67105935-TAATCA-T. GRCh37 (hg19) VCF-style: chr8-68018170-TAATCA-T.
Other names: c.200_204del, p.Asn67fs (NM_001291339.2); c.974_978del, p.Asn325fs (NM_001363131.2, NM_001363133.2); c.1055_1059del, p.Asn352fs (NM_001363132.2); c.1163_1167del, p.Asn388fs (NM_001364869.1); c.983_987del, p.Asn328fs (NM_001364870.1); c.1082_1086delATCAA, p.Asn361Argfs (NM_024790.7); short protein forms N325fs, N328fs, N361fs, N388fs, N352fs, N67fs.
Identifiers: ClinVar variation 3728720 (VCV003728720.2).